The following is an entry in ClinVar:

NM_001136472.2(LITAF):c.478C>T (p.Arg160Cys)

Gene: LITAF (lipopolysaccharide induced TNF factor; minus strand). Cytogenetic location: 16p13.13.
Variant type: single nucleotide variant.
Coding change: c.478C>T on transcript NM_001136472.2 (MANE Select); coding-DNA position 478, C replaced by T.
Protein change: p.Arg160Cys; replaces arginine 160 with cysteine.
Molecular consequence: missense variant. On other transcripts: 3 prime UTR variant (1), non-coding transcript variant (1).
Genome position (GRCh38, 1-based): chr16:11,549,645, G>A on the plus strand (C>T on the coding strand, the complement: LITAF is on the minus strand). VCF-style: chr16-11549645-G-A. GRCh37 (hg19) VCF-style: chr16-11643501-G-A.
Other names: p.Arg160Cys; c.*117C>T (NM_001136473.1); c.478C>T, p.Arg160Cys (NM_004862.4); short protein forms R160C.
Identifiers: ClinVar variation 245638 (VCV000245638.18), dbSNP rs748017885, ClinGen allele CA7904008.

ClinVar aggregate classification (germline): Conflicting classifications of pathogenicity. Review status: criteria provided, conflicting classifications (1 of 4 stars). 7 submissions from 7 submitters: Likely pathogenic (1); Uncertain significance (6). Last evaluated 2026-03-10.

Conditions:
Charcot-Marie-Tooth disease type 1C. Also called: Charcot-Marie-Tooth disease, type IC; HMSN IC; CHARCOT-MARIE-TOOTH DISEASE, DEMYELINATING, TYPE 1C; CMT, SLOW NERVE CONDUCTION TYPE C; CHARCOT-MARIE-TOOTH NEUROPATHY, TYPE 1C; NEUROPATHY, HEREDITARY MOTOR AND SENSORY, TYPE IC. Identifiers: Orphanet 101083, MedGen C0270913, MONDO:0010995, OMIM 601098.
Inborn genetic diseases. Identifiers: MedGen C0950123, MeSH D030342.
Charcot-Marie-Tooth disease. Also called: Charcot-Marie-Tooth Hereditary Neuropathy; Charcot-Marie-Tooth Neuropathy. Identifiers: Orphanet 166, MedGen C0007959, MONDO:0015626.

Allele frequency attached by ClinVar (database versions not stated): gnomAD exomes below 0.00001 and 0.00001; TOPMed 0.00001; ExAC 0.00001; gnomAD 0.00002.
gnomAD v4.1: 25 of 1,612,470 alleles (0.0016%); highest among the groups gnomAD compares: Non-Finnish European, 0.0019%; no homozygotes.

Submissions (7):

Ambry Genetics
Classification: Uncertain significance for Inborn genetic diseases. Last evaluated: 2026-03-10. Review status: criteria provided, single submitter. Criteria: Ambry Variant Classification Scheme 2023. Collection method: clinical testing. Allele origin: germline.

Labcorp Genetics (formerly Invitae), Labcorp
Classification: Likely pathogenic for Charcot-Marie-Tooth disease type 1C. Last evaluated: 2025-04-13. Review status: criteria provided, single submitter. Criteria: Invitae Variant Classification Sherloc (09022015). Collection method: clinical testing. Allele origin: germline.
Comment: This sequence change replaces arginine, which is basic and polar, with cysteine, which is neutral and slightly polar, at codon 160 of the LITAF protein (p.Arg160Cys). This variant is present in population databases (rs748017885, gnomAD 0.0009%). This missense change has been observed in individuals with Charcot-Marie-Tooth disease (PMID: 25614874, 28211240, 32376792; internal data). ClinVar contains an entry for this variant (Variation ID: 245638). An algorithm developed to predict the effect of missense changes on protein structure and function (PolyPhen-2) suggests that this variant is likely to be tolerated. This variant disrupts the p.Arg160 amino acid residue in LITAF. Other variant(s) that disrupt this residue have been observed in individuals with LITAF-related conditions (PMID: 37868241), which suggests that this may be a clinically significant amino acid residue. In summary, the currently available evidence indicates that the variant is pathogenic, but additional data are needed to prove that conclusively. Therefore, this variant has been classified as Likely Pathogenic.

Mayo Clinic Laboratories, Mayo Clinic
Classification: Uncertain significance. Last evaluated: 2024-10-18. Review status: criteria provided, single submitter. Criteria: ACMG Guidelines, 2015. Collection method: clinical testing. Allele origin: germline. Observed: 1 variant allele.
Comment: BP5, PP3

Athena Diagnostics
Classification: Uncertain significance. Last evaluated: 2023-07-14. Review status: criteria provided, single submitter. Criteria: Athena Diagnostics Criteria. Collection method: clinical testing. Allele origin: unknown.
Comment: Available data are insufficient to determine the clinical significance of the variant at this time. This variant is statistically more frequent in the patient population than in the general population, which is weak evidence this variant may be disease causing. This variant has been identified in at least one individual with clinical features associated with this gene. This variant has been seen where an alternate explanation for disease was also identified, suggesting this variant may not cause disease. Computational tools disagree on the variant's effect on normal protein function.

Department of Pathology and Laboratory Medicine, Sinai Health System
Classification: Uncertain significance for Charcot-Marie-Tooth disease type 1C. Last evaluated: 2020-08-10. Review status: criteria provided, single submitter. Criteria: ACMG Guidelines, 2015. Collection method: research. Allele origin: germline.

GeneDx
Classification: Uncertain significance. Last evaluated: 2015-08-10. Review status: criteria provided, single submitter. Criteria: GeneDx Variant Classification (06012015). Collection method: clinical testing. Allele origin: germline. Affected: yes.
Comment: The R160C variant has not been published as a mutation, nor has it been reported as a benign polymorphism to our knowledge. It was not observed in approximately 6,500 individuals of European and African American ancestry in the NHLBI Exome Sequencing Project, indicating it is not a common benign variant in these populations. The R160C variant is a non-conservative amino acid substitution, which is likely to impact secondary protein structure as these residues differ in polarity, charge, size and/or other properties. This substitution occurs at a position that is conserved across species. However, in silico analysis is inconsistent in its predictions as to whether or not the variant is damaging to the protein structure/function. Therefore, based on the currently available information, it is unclear whether this variant is a pathogenic mutation or a rare benign variant.

Molecular Genetics Laboratory, London Health Sciences Centre
Classification: Uncertain significance for Charcot-Marie-Tooth disease. Review status: criteria provided, single submitter. Criteria: ACMG Guidelines, 2015. Collection method: clinical testing. Allele origin: germline. Affected: yes.

Literature cited by the submitters: PubMed 25614874 (cited by Labcorp Genetics (formerly Invitae), Labcorp and Athena Diagnostics); PubMed 28211240 (cited by 3 submitters); PubMed 32376792 (cited by Labcorp Genetics (formerly Invitae), Labcorp and Mayo Clinic Laboratories, Mayo Clinic); PubMed 37868241 (cited by Labcorp Genetics (formerly Invitae), Labcorp).